The following is an entry in ClinVar:

NM_198525.3(KIF7):c.374C>T (p.Ala125Val)

Gene: KIF7 (kinesin family member 7; minus strand). Cytogenetic location: 15q26.1.
Variant type: single nucleotide variant.
Coding change: c.374C>T on transcript NM_198525.3 (MANE Select); coding-DNA position 374, C replaced by T.
Protein change: p.Ala125Val; replaces alanine 125 with valine.
Molecular consequence: missense variant.
Genome position (GRCh38, 1-based): chr15:89,649,896, G>A on the plus strand (C>T on the coding strand, the complement: KIF7 is on the minus strand). VCF-style: chr15-89649896-G-A. GRCh37 (hg19) VCF-style: chr15-90193127-G-A.
Other names: short protein forms A125V.
Identifiers: ClinVar variation 1921886 (VCV001921886.3), dbSNP rs771500087, ClinGen allele CA7728643.

ClinVar aggregate classification (germline): Uncertain significance (1 of 4 stars; one submission).

Conditions:
Acrocallosal syndrome (ACLS). Also called: HALLUX DUPLICATION, POSTAXIAL POLYDACTYLY, AND ABSENCE OF CORPUS CALLOSUM; Schinzel syndrome 1; Absence of corpus callosum with unusual facial appearance, mental deficiency, duplication of the halluces and polydactyly. Identifiers: Orphanet 36, MedGen C0796147, MONDO:0008708, OMIM 200990.

Allele frequency attached by ClinVar (database versions not stated): gnomAD exomes 0.00001; ExAC 0.00005.
gnomAD v4.1: 14 of 1,551,730 alleles (0.0009%); highest among the groups gnomAD compares: Non-Finnish European, 0.00078%; no homozygotes.

Submission:

Labcorp Genetics (formerly Invitae), Labcorp
Classification: Uncertain significance for Acrocallosal syndrome. Last evaluated: 2025-10-19. Review status: criteria provided, single submitter. Criteria: Invitae Variant Classification Sherloc (09022015). Collection method: clinical testing. Allele origin: germline.
Comment: This sequence change replaces alanine, which is neutral and non-polar, with valine, which is neutral and non-polar, at codon 125 of the KIF7 protein (p.Ala125Val). This variant is present in population databases (rs771500087, gnomAD 0.005%). This variant has not been reported in the literature in individuals affected with KIF7-related conditions. ClinVar contains an entry for this variant (Variation ID: 1921886). Invitae Evidence Modeling of protein sequence and biophysical properties (such as structural, functional, and spatial information, amino acid conservation, physicochemical variation, residue mobility, and thermodynamic stability) has been performed for this missense variant. However, the output from this modeling did not meet the statistical confidence thresholds required to predict the impact of this variant on KIF7 protein function. In summary, the available evidence is currently insufficient to determine the role of this variant in disease. Therefore, it has been classified as a Variant of Uncertain Significance.